The following is an entry in ClinVar:

NM_000089.4(COL1A2):c.382C>T (p.Pro128Ser)

Gene: COL1A2 (collagen type I alpha 2 chain; plus strand). Cytogenetic location: 7q21.3.
Variant type: single nucleotide variant.
Coding change: c.382C>T on transcript NM_000089.4 (MANE Select); coding-DNA position 382, C replaced by T.
Protein change: p.Pro128Ser; replaces proline 128 with serine.
Molecular consequence: missense variant.
Genome position (GRCh38, 1-based): chr7:94,404,842, C>T. VCF-style: chr7-94404842-C-T. GRCh37 (hg19) VCF-style: chr7-94034154-C-T.
Other names: c.382C>T (NM_000089.3); short protein forms P128S.
Identifiers: ClinVar variation 1003772 (VCV001003772.10), dbSNP rs774774401, ClinGen allele CA4346655.

ClinVar aggregate classification (germline): Uncertain significance. Review status: criteria provided, multiple submitters, no conflicts (2 of 4 stars). 2 submissions from 2 submitters: Uncertain significance (2). Last evaluated 2026-03-19.

Conditions:
Osteogenesis imperfecta type I (OI1). Also called: OI, TYPE I; OSTEOGENESIS IMPERFECTA TARDA; OSTEOGENESIS IMPERFECTA WITH BLUE SCLERAE; Osteogenesis imperfecta type 1; Classic Non-deforming Osteogenesis Imperfecta with Blue Sclerae; Lobstein's Disease. Identifiers: Orphanet 216796, Orphanet 666, MedGen C0023931, MONDO:0008146, OMIM 166200. Disease mechanism: loss of function.
Ehlers-Danlos syndrome, classic type, 1 (EDSCL1). Also called: EHLERS-DANLOS SYNDROME, GRAVIS TYPE; EHLERS-DANLOS SYNDROME, SEVERE CLASSIC TYPE; EDS I; Ehlers-Danlos Syndrome, Classic Type, COL5A1-Related; Ehlers-Danlos syndrome, type 1. Identifiers: MedGen C0268335, MONDO:0019567, OMIM 130000.
Cardiovascular phenotype. Identifiers: MedGen CN230736.

Allele frequency attached by ClinVar (database versions not stated): gnomAD 0.00005; TOPMed 0.00006.

Submissions (2):

Ambry Genetics
Classification: Uncertain significance for Cardiovascular phenotype. Last evaluated: 2026-03-19. Review status: criteria provided, single submitter. Criteria: Ambry Variant Classification Scheme 2023. Collection method: clinical testing. Allele origin: germline.
Comment: The c.382C>T (p.P128S) alteration is located in exon 9 (coding exon 9) of the COL1A2 gene. This alteration results from a C to T substitution at nucleotide position 382, causing the proline (P) at amino acid position 128 to be replaced by a serine (S). Based on data from gnomAD, the T allele has an overall frequency of 0.003% (7/251404) total alleles studied. The highest observed frequency was 0.02% (7/34590) of Latino alleles. Based on insufficient or conflicting evidence, the clinical significance of this alteration remains unclear.

Labcorp Genetics (formerly Invitae), Labcorp
Classification: Uncertain significance for Osteogenesis imperfecta type I; Ehlers-Danlos syndrome, classic type, 1. Last evaluated: 2025-11-05. Review status: criteria provided, single submitter. Criteria: Invitae Variant Classification Sherloc (09022015). Collection method: clinical testing. Allele origin: germline.
Comment: This sequence change replaces proline, which is neutral and non-polar, with serine, which is neutral and polar, at codon 128 of the COL1A2 protein (p.Pro128Ser). This variant is present in population databases (rs774774401, gnomAD 0.02%). This variant has not been reported in the literature in individuals affected with COL1A2-related conditions. ClinVar contains an entry for this variant (Variation ID: 1003772). Invitae Evidence Modeling of protein sequence and biophysical properties (such as structural, functional, and spatial information, amino acid conservation, physicochemical variation, residue mobility, and thermodynamic stability) indicates that this missense variant is not expected to disrupt COL1A2 protein function with a negative predictive value of 95%. In summary, the available evidence is currently insufficient to determine the role of this variant in disease. Therefore, it has been classified as a Variant of Uncertain Significance.